The following is an entry in ClinVar:

ClinVar aggregate classification (germline): Uncertain significance (1 of 4 stars; one submission).

Allele frequency attached by ClinVar (database versions not stated): TOPMed below 0.00001.
gnomAD v4.1: 1 of 1,612,816 alleles (0.000062%); no homozygotes.

Submission:

Labcorp Genetics (formerly Invitae), Labcorp
Classification: Uncertain significance. Last evaluated: 2020-02-22. Review status: criteria provided, single submitter. Criteria: Invitae Variant Classification Sherloc (09022015). Collection method: clinical testing. Allele origin: germline.
Comment: Algorithms developed to predict the effect of sequence changes on RNA splicing suggest that this variant may create or strengthen a splice site, but this prediction has not been confirmed by published transcriptional studies. Algorithms developed to predict the effect of missense changes on protein structure and function are either unavailable or do not agree on the potential impact of this missense change (SIFT: "Tolerated"; PolyPhen-2: "Possibly Damaging"; Align-GVGD: "Class C0"). This variant has not been reported in the literature in individuals with CLCC1-related conditions. This variant is not present in population databases (ExAC no frequency). This sequence change replaces lysine with glutamine at codon 470 of the CLCC1 protein (p.Lys470Gln). The lysine residue is weakly conserved and there is a small physicochemical difference between lysine and glutamine. In summary, the available evidence is currently insufficient to determine the role of this variant in disease. Therefore, it has been classified as a Variant of Uncertain Significance.

NM_001377458.1(CLCC1):c.1408A>C (p.Lys470Gln)

Gene: CLCC1 (chloride channel CLIC like 1; minus strand). Cytogenetic location: 1p13.3.
Variant type: single nucleotide variant.
Coding change: c.1408A>C on transcript NM_001377458.1 (MANE Select); coding-DNA position 1408, A replaced by C.
Protein change: p.Lys470Gln; replaces lysine 470 with glutamine.
Molecular consequence: missense variant. On other transcripts: non-coding transcript variant (1).
Genome position (GRCh38, 1-based): chr1:108,934,918, T>G on the plus strand (A>C on the coding strand, the complement: CLCC1 is on the minus strand). VCF-style: chr1-108934918-T-G. GRCh37 (hg19) VCF-style: chr1-109477540-T-G.
Other names: c.1408A>C, p.Lys470Gln (NM_001048210.3, NM_001377459.1, NM_001377460.1 and 8 more transcripts); c.1045A>C, p.Lys349Gln (NM_001278202.2); c.853A>C, p.Lys285Gln (NM_001278203.1); c.1306A>C, p.Lys436Gln (NM_001377469.1); c.1117A>C, p.Lys373Gln (NM_001377470.1); c.1258A>C, p.Lys420Gln (NM_015127.5); short protein forms K285Q, K349Q, K373Q, K420Q, K436Q, K470Q.
Identifiers: ClinVar variation 1024886 (VCV001024886.9), dbSNP rs1652655092, ClinGen allele CA341456306.